The following is an entry in ClinVar:

NM_182931.3(KMT2E):c.934G>C (p.Asp312His)

Gene: KMT2E (lysine methyltransferase 2E (inactive); plus strand). Cytogenetic location: 7q22.3.
Variant type: single nucleotide variant.
Coding change: c.934G>C on transcript NM_182931.3 (MANE Select); coding-DNA position 934, G replaced by C.
Protein change: p.Asp312His; replaces aspartic acid 312 with histidine.
Molecular consequence: missense variant.
Genome position (GRCh38, 1-based): chr7:105,077,128, G>C. VCF-style: chr7-105077128-G-C. GRCh37 (hg19) VCF-style: chr7-104717575-G-C.
Other names: c.934G>C, p.Asp312His (NM_001410908.1, NM_018682.4); short protein forms D312H.
Identifiers: ClinVar variation 2280869 (VCV002280869.2), dbSNP rs940581045, ClinGen allele CA163990003.

ClinVar aggregate classification (germline): Uncertain significance (1 of 4 stars; one submission).

Conditions:
Inborn genetic diseases. Identifiers: MedGen C0950123, MeSH D030342.

Allele frequency attached by ClinVar (database versions not stated): gnomAD exomes below 0.00001; gnomAD 0.00003; TOPMed 0.00003.
gnomAD v4.1: 6 of 1,613,732 alleles (0.00037%); highest among the groups gnomAD compares: African/African-American, 0.0067%; no homozygotes.

Submission:

Ambry Genetics
Classification: Uncertain significance for Inborn genetic diseases. Last evaluated: 2022-04-05. Review status: criteria provided, single submitter. Criteria: Ambry Variant Classification Scheme 2023. Collection method: clinical testing. Allele origin: germline.
Comment: The c.934G>C (p.D312H) alteration is located in exon 10 (coding exon 8) of the KMT2E gene. This alteration results from a G to C substitution at nucleotide position 934, causing the aspartic acid (D) at amino acid position 312 to be replaced by a histidine (H). Based on data from gnomAD, the C allele has an overall frequency of 0.01% (2/31072) total alleles studied. The highest observed frequency was 0.02% (2/8638) of African alleles. This amino acid position is well conserved in available vertebrate species. The in silico prediction for this alteration is inconclusive. Based on insufficient or conflicting evidence, the clinical significance of this alteration remains unclear.